The following is an entry in ClinVar:

NM_000051.4(ATM):c.417del (p.Asp140fs)

Gene: ATM (ATM serine/threonine kinase; plus strand). Cytogenetic location: 11q22.3.
Variant type: Deletion.
Coding change: c.417del on transcript NM_000051.4 (MANE Select); coding-DNA position 417, one base deleted (T; older notation c.417delT).
Protein change: p.Asp140fs; shifts the reading frame from aspartic acid 140.
Molecular consequence: frameshift variant.
Genome position (GRCh38, 1-based): chr11:108,235,755, T deleted. VCF-style (leftmost placement, unchanged base first): chr11-108235754-CT-C. GRCh37 (hg19) VCF-style: chr11-108106481-CT-C.
Other names: c.417del, p.Asp140fs (NM_001351834.2); short protein forms D140fs.
Identifiers: ClinVar variation 3148509 (VCV003148509.1), dbSNP rs2497019269, ClinGen allele CA2825001750.
Genomic context (GRCh38, chr11:108,235,754, plus strand): 5'-AACTCTTAAATTATATCATGGATACAGTGAAAGATTCATCTAATGGTGCTATTTACGGAG[CT>C]GATTGTAGCAACATACTACTCAAAGACATTCTTTCTGTGAGAAAATACTGGTGTGAAATA-3'

ClinVar aggregate classification (germline): Pathogenic (1 of 4 stars; one submission).

Conditions:
Familial cancer of breast. Also called: BREAST CANCER, FAMILIAL; Hereditary breast cancer; hereditary breast carcinoma. Identifiers: Orphanet 227535, MedGen C0346153, MONDO:0016419, OMIM 114480. Disease mechanism: loss of function.

Submission:

Myriad Genetics, Inc.
Classification: Pathogenic for Familial cancer of breast. Last evaluated: 2024-01-09. Review status: criteria provided, single submitter. Criteria: Myriad Autosomal Dominant, Autosomal Recessive and X-Linked Classification Criteria (2023). Collection method: clinical testing. Allele origin: unknown.
Comment: This variant is considered pathogenic. This variant creates a frameshift predicted to result in premature protein truncation.